The following is an entry in ClinVar:

ClinVar aggregate classification (germline): Benign/Likely benign. Review status: criteria provided, multiple submitters, no conflicts (2 of 4 stars). 4 submissions from 4 submitters: Benign (1); Likely benign (2). 1 of the submissions does not count toward it. Last evaluated 2024-10-28.

Conditions:
Prostate cancer, hereditary, 9 (HPC9). Identifiers: Orphanet 1331, MedGen C1970250, MONDO:0012597, OMIM 610997.
Prostate cancer, hereditary, 1 (HPC1). Identifiers: Orphanet 1331, MedGen C4722327, MONDO:0011098, OMIM 601518.
Hereditary cancer-predisposing syndrome. Also called: Neoplastic Syndromes, Hereditary; Tumor predisposition; Hereditary neoplastic syndrome; Hereditary Cancer Syndrome. Identifiers: Orphanet 140162, MedGen C0027672, MeSH D009386, MONDO:0015356.

Submissions (4):

Myriad Genetics, Inc.
Classification: Benign for Prostate cancer, hereditary, 9. Last evaluated: 2024-10-28. Review status: criteria provided, single submitter. Criteria: Myriad Autosomal Dominant, Autosomal Recessive and X-Linked Classification Criteria (2023). Collection method: clinical testing. Allele origin: unknown.
Comment: This variant is considered benign. This variant is a silent/synonymous amino acid change and it is not expected to impact splicing.

Labcorp Genetics (formerly Invitae), Labcorp
Classification: Likely benign. Last evaluated: 2023-07-11. Review status: criteria provided, single submitter. Criteria: Invitae Variant Classification Sherloc (09022015). Collection method: clinical testing. Allele origin: germline.

Ambry Genetics
Classification: Likely benign for Hereditary cancer-predisposing syndrome. Last evaluated: 2022-06-11. Review status: criteria provided, single submitter. Criteria: Ambry Variant Classification Scheme 2023. Collection method: clinical testing. Allele origin: germline.

Laboratory of Virology, Microbiology,  Quality and Medical Biotechnologies, Faculty of Sciences and Techniques - Mohammedia, Hassan II University of Casablanca
Classification: Uncertain significance for Prostate cancer, hereditary, 1. Review status: no assertion criteria provided. Collection method: clinical testing. Allele origin: somatic. Affected: yes. Not counted in ClinVar's aggregate classification.

NM_006361.6(HOXB13):c.60A>G (p.Gly20=)

Gene: HOXB13 (homeobox B13; minus strand). Cytogenetic location: 17q21.32.
Variant type: single nucleotide variant.
Coding change: c.60A>G on transcript NM_006361.6 (MANE Select); coding-DNA position 60, A replaced by G.
Protein change: p.Gly20=; no amino-acid change (glycine 20 retained).
Molecular consequence: synonymous variant.
Genome position (GRCh38, 1-based): chr17:48,728,534, T>C on the plus strand (A>G on the coding strand, the complement: HOXB13 is on the minus strand). VCF-style: chr17-48728534-T-C. GRCh37 (hg19) VCF-style: chr17-46805896-T-C.
Identifiers: ClinVar variation 690933 (VCV000690933.10), dbSNP rs1597935240, ClinGen allele CA500503119.